The following is an entry in ClinVar:

ClinVar aggregate classification (germline): Likely pathogenic (1 of 4 stars; one submission).

Submission:

GeneDx
Classification: Likely pathogenic. Last evaluated: 2017-05-16. Review status: criteria provided, single submitter. Criteria: GeneDx Variant Classification (06012015). Collection method: clinical testing. Allele origin: germline. Affected: yes.
Comment: To our knowledge, the R12G variant has not been published as a pathogenic variant, nor has it been reported as a benign variant. The R12G variant is not observed in large population cohorts (Lek et al., 2016; 1000 Genomes Consortium et al., 2015; Exome Variant Server). It is a non-conservative amino acid substitution, which is likely to impact secondary protein structure as these residues differ in polarity, charge, size and/or other properties. This substitution occurs at a position within the HSR domain where amino acids with similar properties to Arginine are tolerated across species. In silico analysis predicts this variant is probably damaging to the protein structure/function. Additionally, missense variants in nearby residues (R8C, R15C/L, T16M) have been reported in the Human Gene Mutation Database in association with APECED (Stenson et al., 2014), supporting the functional importance of this region of the protein. In summary, we consider this variant to be likely pathogenic.

NM_000383.4(AIRE):c.34A>G (p.Arg12Gly)

Gene: AIRE (autoimmune regulator; plus strand). Cytogenetic location: 21q22.3.
Variant type: single nucleotide variant.
Coding change: c.34A>G on transcript NM_000383.4 (MANE Select); coding-DNA position 34, A replaced by G.
Protein change: p.Arg12Gly; replaces arginine 12 with glycine.
Molecular consequence: missense variant.
Genome position (GRCh38, 1-based): chr21:44,286,040, A>G. VCF-style: chr21-44286040-A-G. GRCh37 (hg19) VCF-style: chr21-45705923-A-G.
Other names: c.34A>G (LRG_18t1); short protein forms R12G.
Identifiers: ClinVar variation 429854 (VCV000429854.2), dbSNP rs1131691636, ClinGen allele CA410422971.
Genomic context (GRCh38, chr21:44,286,040, plus strand): 5'-CCAGCCCCGGGTCCCCGCGCCCACCCCATGGCGACGGACGCGGCGCTACGCCGGCTTCTG[A>G]GGCTGCACCGCACGGAGATCGCGGTGGCCGTGGACAGCGCCTTCCCACTGCTGCACGCGC-3'
Protein context (NP_000374.1, residues 2-22): ATDAALRRLL[Arg12Gly]LHRTEIAVAV